The following is an entry in ClinVar:

ClinVar aggregate classification (germline): Uncertain significance (1 of 4 stars; one submission).

Submission:

GeneDx
Classification: Uncertain significance. Last evaluated: 2020-06-24. Review status: criteria provided, single submitter. Criteria: GeneDx Variant Classification Process June 2021. Collection method: clinical testing. Allele origin: germline. Affected: yes.
Comment: Not observed in large population cohorts (Lek et al., 2016); Missense variants in this gene are often considered pathogenic (Stenson et al., 2014); In silico analysis supports that this missense variant has a deleterious effect on protein structure/function; Has not been previously published as pathogenic or benign to our knowledge

NM_005476.7(GNE):c.328C>G (p.His110Asp)

Gene: GNE (glucosamine (UDP-N-acetyl)-2-epimerase/N-acetylmannosamine kinase; minus strand). Cytogenetic location: 9p13.3.
Variant type: single nucleotide variant.
Coding change: c.328C>G on transcript NM_005476.7 (MANE Select); coding-DNA position 328, C replaced by G.
Protein change: p.His110Asp; replaces histidine 110 with aspartic acid.
Molecular consequence: missense variant.
Genome position (GRCh38, 1-based): chr9:36,246,319, G>C on the plus strand (C>G on the coding strand, the complement: GNE is on the minus strand). VCF-style: chr9-36246319-G-C. GRCh37 (hg19) VCF-style: chr9-36246316-G-C.
Other names: c.421C>G, p.His141Asp (NM_001128227.3); c.328C>G, p.His110Asp (NM_001190383.3, NM_001374797.1); c.151C>G, p.His51Asp (NM_001190384.3, NM_001190388.2, NM_001374798.1); short protein forms H110D, H141D, H51D.
Identifiers: ClinVar variation 1312788 (VCV001312788.2), dbSNP rs2133113061, ClinGen allele CA373419470.